The following is an entry in ClinVar:

NM_004963.4(GUCY2C):c.3173T>C (p.Leu1058Pro)

Genes: PLBD1-AS1 (PLBD1 antisense RNA 1; plus strand), GUCY2C (guanylate cyclase 2C; minus strand). Cytogenetic location: 12p12.3.
Variant type: single nucleotide variant.
Coding change: c.3173T>C on transcript NM_004963.4 (MANE Select); coding-DNA position 3173, T replaced by C.
Protein change: p.Leu1058Pro; replaces leucine 1058 with proline.
Molecular consequence: missense variant.
Genome position (GRCh38, 1-based): chr12:14,613,166, A>G on the plus strand (T>C on the coding strand, the complement: GUCY2C is on the minus strand). VCF-style: chr12-14613166-A-G. GRCh37 (hg19) VCF-style: chr12-14766100-A-G.
Other names: short protein forms L1058P.
Identifiers: ClinVar variation 2837770 (VCV002837770.3), dbSNP rs2497572862, ClinGen allele CA383988954.

ClinVar aggregate classification (germline): Uncertain significance (1 of 4 stars; one submission).

Allele frequency attached by ClinVar (database versions not stated): gnomAD exomes below 0.00001.
gnomAD v4.1: 1 of 1,613,606 alleles (0.000062%); highest among the groups gnomAD compares: Non-Finnish European, 0.000085%; no homozygotes.

Submission:

Labcorp Genetics (formerly Invitae), Labcorp
Classification: Uncertain significance. Last evaluated: 2024-09-29. Review status: criteria provided, single submitter. Criteria: Invitae Variant Classification Sherloc (09022015). Collection method: clinical testing. Allele origin: germline.
Comment: This sequence change replaces leucine, which is neutral and non-polar, with proline, which is neutral and non-polar, at codon 1058 of the GUCY2C protein (p.Leu1058Pro). This variant is not present in population databases (gnomAD no frequency). This variant has not been reported in the literature in individuals affected with GUCY2C-related conditions. An algorithm developed to predict the effect of missense changes on protein structure and function (PolyPhen-2) suggests that this variant is likely to be tolerated. In summary, the available evidence is currently insufficient to determine the role of this variant in disease. Therefore, it has been classified as a Variant of Uncertain Significance.